The following is an entry in ClinVar:

NM_004448.4(ERBB2):c.284C>T (p.Pro95Leu)

Gene: ERBB2 (erb-b2 receptor tyrosine kinase 2; plus strand). Cytogenetic location: 17q12.
Variant type: single nucleotide variant.
Coding change: c.284C>T on transcript NM_004448.4 (MANE Select); coding-DNA position 284, C replaced by T.
Protein change: p.Pro95Leu; replaces proline 95 with leucine.
Molecular consequence: missense variant. On other transcripts: non-coding transcript variant (1), intron variant (1).
Genome position (GRCh38, 1-based): chr17:39,708,379, C>T. VCF-style: chr17-39708379-C-T. GRCh37 (hg19) VCF-style: chr17-37864632-C-T.
Other names: c.284C>T, p.Pro95Leu (NM_001382805.1, NM_001382806.1, NM_001382794.1 and 19 more transcripts); c.74-3549C>T (NM_001382804.1); c.275C>T, p.Pro92Leu (NM_001382791.1); c.194C>T, p.Pro65Leu (NM_001005862.3, NM_001289938.2, NM_001382782.1 and 1 more transcripts); c.239C>T, p.Pro80Leu (NM_001289936.2); short protein forms P65L, P80L, P92L, P95L.
Identifiers: ClinVar variation 4292367 (VCV004292367.2).

ClinVar aggregate classification (germline): Uncertain significance. Review status: criteria provided, multiple submitters, no conflicts (2 of 4 stars). 2 submissions from 2 submitters: Uncertain significance (2). Last evaluated 2025-04-22.

Conditions:
Gastric cancer. Also called: Stomach cancer; Malignant tumor of stomach. Identifiers: MedGen C0024623, MeSH D013274, MONDO:0001056, OMIM 613659, HP:0012126.

Submissions (2):

Labcorp Genetics (formerly Invitae), Labcorp
Classification: Uncertain significance. Last evaluated: 2025-04-22. Review status: criteria provided, single submitter. Criteria: Invitae Variant Classification Sherloc (09022015). Collection method: clinical testing. Allele origin: germline.
Comment: This sequence change replaces proline, which is neutral and non-polar, with leucine, which is neutral and non-polar, at codon 95 of the ERBB2 protein (p.Pro95Leu). This variant is present in population databases (rs767151455, gnomAD 0.002%). This variant has not been reported in the literature in individuals affected with ERBB2-related conditions. Invitae Evidence Modeling of protein sequence and biophysical properties (such as structural, functional, and spatial information, amino acid conservation, physicochemical variation, residue mobility, and thermodynamic stability) has been performed for this missense variant. However, the output from this modeling did not meet the statistical confidence thresholds required to predict the impact of this variant on ERBB2 protein function. In summary, the available evidence is currently insufficient to determine the role of this variant in disease. Therefore, it has been classified as a Variant of Uncertain Significance.

3billion
Classification: Uncertain significance for Gastric cancer. Last evaluated: 2025-03-14. Review status: criteria provided, single submitter. Criteria: ACMG Guidelines, 2015. Collection method: clinical testing. Allele origin: germline. Affected: yes.